The following is an entry in ClinVar:

ClinVar aggregate classification (germline): Uncertain significance. Review status: criteria provided, multiple submitters, no conflicts (2 of 4 stars). 2 submissions from 2 submitters: Uncertain significance (2). Last evaluated 2025-06-24.

Allele frequency attached by ClinVar (database versions not stated): ExAC 0.00002; gnomAD exomes 0.00001; TOPMed 0.00002.
gnomAD v4.1: 8 of 1,613,902 alleles (0.0005%); highest among the groups gnomAD compares: East Asian, 0.018%; no homozygotes.

Submissions (2):

Labcorp Genetics (formerly Invitae), Labcorp
Classification: Uncertain significance. Last evaluated: 2025-06-24. Review status: criteria provided, single submitter. Criteria: Invitae Variant Classification Sherloc (09022015). Collection method: clinical testing. Allele origin: germline.
Comment: This sequence change replaces alanine, which is neutral and non-polar, with threonine, which is neutral and polar, at codon 533 of the DCHS1 protein (p.Ala533Thr). This variant is present in population databases (rs767517834, gnomAD 0.03%). This variant has not been reported in the literature in individuals affected with DCHS1-related conditions. ClinVar contains an entry for this variant (Variation ID: 3233505). Invitae Evidence Modeling of protein sequence and biophysical properties (such as structural, functional, and spatial information, amino acid conservation, physicochemical variation, residue mobility, and thermodynamic stability) indicates that this missense variant is not expected to disrupt DCHS1 protein function with a negative predictive value of 80%. In summary, the available evidence is currently insufficient to determine the role of this variant in disease. Therefore, it has been classified as a Variant of Uncertain Significance.

Women's Health and Genetics/Laboratory Corporation of America, LabCorp
Classification: Uncertain significance. Last evaluated: 2024-03-11. Review status: criteria provided, single submitter. Criteria: LabCorp Variant Classification Summary - May 2015. Collection method: clinical testing. Allele origin: germline.
Comment: Variant summary: DCHS1 c.1597G>A (p.Ala533Thr) results in a non-conservative amino acid change located in the Cadherin-like domain (IPR002126) of the encoded protein sequence. Three of five in-silico tools predict a damaging effect of the variant on protein function. The variant allele was found at a frequency of 2e-05 in 251052 control chromosomes (gnomAD). The available data on variant occurrences in the general population are insufficient to allow any conclusion about variant significance. To our knowledge, no occurrence of c.1597G>A in individuals affected with DCHS1-Related Disorders and no experimental evidence demonstrating its impact on protein function have been reported. No submitters have cited clinical-significance assessments for this variant to ClinVar. Based on the evidence outlined above, the variant was classified as uncertain significance.

NM_003737.4(DCHS1):c.1597G>A (p.Ala533Thr)

Gene: DCHS1 (dachsous cadherin-related 1; minus strand). Cytogenetic location: 11p15.4.
Variant type: single nucleotide variant.
Coding change: c.1597G>A on transcript NM_003737.4 (MANE Select); coding-DNA position 1597, G replaced by A.
Protein change: p.Ala533Thr; replaces alanine 533 with threonine.
Molecular consequence: missense variant.
Genome position (GRCh38, 1-based): chr11:6,640,017, C>T on the plus strand (G>A on the coding strand, the complement: DCHS1 is on the minus strand). VCF-style: chr11-6640017-C-T. GRCh37 (hg19) VCF-style: chr11-6661248-C-T.
Other names: short protein forms A533T.
Identifiers: ClinVar variation 3233505 (VCV003233505.4), dbSNP rs767517834, ClinGen allele CA5860935.